The following is an entry in ClinVar:

NM_001163629.2(MROH9):c.2253T>C (p.Tyr751=)

Gene: MROH9 (maestro heat like repeat family member 9; plus strand). Cytogenetic location: 1q24.3.
Variant type: single nucleotide variant.
Coding change: c.2253T>C on transcript NM_001163629.2 (MANE Select); coding-DNA position 2253, T replaced by C.
Protein change: p.Tyr751=; no amino-acid change (tyrosine 751 retained).
Molecular consequence: synonymous variant.
Genome position (GRCh38, 1-based): chr1:171,025,392, T>C. VCF-style: chr1-171025392-T-C. GRCh37 (hg19) VCF-style: chr1-170994533-T-C.
Identifiers: ClinVar variation 2639549 (VCV002639549.24), dbSNP rs2525583944, ClinGen allele CA421754073.

ClinVar aggregate classification (germline): Likely benign (1 of 4 stars; one submission).

Submission:

CeGaT Center for Human Genetics Tuebingen
Classification: Likely benign. Last evaluated: 2023-01-01. Review status: criteria provided, single submitter. Criteria: CeGaT Center For Human Genetics Tuebingen Variant Classification Criteria Version 2. Collection method: clinical testing. Allele origin: germline. Affected: yes. Observed: 1 variant allele.
Comment: MROH9: PM2:Supporting, BP4, BP7